The following is an entry in ClinVar:

NM_018480.7(TMEM126B):c.489_491del (p.Lys163del)

Gene: TMEM126B (transmembrane protein 126B; plus strand). Cytogenetic location: 11q14.1.
Variant type: Deletion.
Coding change: c.489_491del on transcript NM_018480.7 (MANE Select); coding-DNA positions 489 to 491, 3 bases deleted (AAA; older notation c.489_491delAAA).
Protein change: p.Lys163del; deletes lysine 163.
Molecular consequence: inframe deletion. On other transcripts: non-coding transcript variant (2).
Genome position (GRCh38, 1-based): chr11:85,635,758-85,635,760, AAA deleted; deleting any 3 consecutive bases within chr11:85,635,756-85,635,760 gives the same sequence; the c. name uses the placement nearest the transcript's 3' end. VCF-style (leftmost placement, unchanged base first): chr11-85635755-TAAA-T. GRCh37 (hg19) VCF-style: chr11-85346799-TAAA-T.
Other names: c.429_431del, p.Lys143del (NM_001193537.3); c.399_401del, p.Lys133del (NM_001193538.3, NM_001256546.2); c.351_353del, p.Lys117del (NM_001256547.2); c.264_266del, p.Lys88del (NM_001350393.1); short protein forms K133del, K143del, K117del, K163del, K88del.
Identifiers: ClinVar variation 1518268 (VCV001518268.6), dbSNP rs768932743, ClinGen allele CA6212523.

ClinVar aggregate classification (germline): Uncertain significance (1 of 4 stars; one submission).

Submission:

Labcorp Genetics (formerly Invitae), Labcorp
Classification: Uncertain significance. Last evaluated: 2021-09-09. Review status: criteria provided, single submitter. Criteria: Invitae Variant Classification Sherloc (09022015). Collection method: clinical testing. Allele origin: germline.
Comment: This variant, c.489_491del, results in the deletion of 1 amino acid(s) of the TMEM126B protein (p.Lys163del), but otherwise preserves the integrity of the reading frame. In summary, the available evidence is currently insufficient to determine the role of this variant in disease. Therefore, it has been classified as a Variant of Uncertain Significance. Experimental studies and prediction algorithms are not available or were not evaluated, and the functional significance of this variant is currently unknown. This variant has not been reported in the literature in individuals affected with TMEM126B-related conditions. This variant is present in population databases (rs768932743, ExAC 0.001%).